The following is an entry in ClinVar:

NM_000038.6(APC):c.188C>T (p.Ser63Phe)

Gene: APC (APC regulator of Wnt signaling pathway; plus strand). Cytogenetic location: 5q22.2.
Variant type: single nucleotide variant.
Coding change: c.188C>T on transcript NM_000038.6 (MANE Select); coding-DNA position 188, C replaced by T.
Protein change: p.Ser63Phe; replaces serine 63 with phenylalanine.
Molecular consequence: missense variant. On other transcripts: 5 prime UTR variant (4), non-coding transcript variant (2).
Genome position (GRCh38, 1-based): chr5:112,766,378, C>T. VCF-style: chr5-112766378-C-T. GRCh37 (hg19) VCF-style: chr5-112102075-C-T.
Other names: c.188C>T, p.Ser63Phe (NM_001407456.1, NM_001407457.1, NM_001407458.1 and 16 more transcripts); c.218C>T, p.Ser73Phe (NM_001354897.2, NM_001127511.3, NM_001407446.1 and 1 more transcripts); c.113C>T, p.Ser38Phe (NM_001354898.2, NM_001407451.1, NM_001354904.2); c.-848C>T (NM_001354906.2, NM_001407472.1, NM_001407470.1 and 1 more transcripts); c.11C>T, p.Ser4Phe (NM_001354905.2, NM_001407453.1, NM_001354900.2 and 1 more transcripts); short protein forms S4F, S63F, S73F, S38F.
Identifiers: ClinVar variation 2767875 (VCV002767875.4), dbSNP rs1389238446, ClinGen allele CA16021758.

ClinVar aggregate classification (germline): Uncertain significance. Review status: criteria provided, multiple submitters, no conflicts (2 of 4 stars). 2 submissions from 2 submitters: Uncertain significance (2). Last evaluated 2024-03-06.

Conditions:
Hereditary cancer-predisposing syndrome. Also called: Hereditary neoplastic syndrome; Neoplastic Syndromes, Hereditary; Hereditary Cancer Syndrome; Tumor predisposition. Identifiers: Orphanet 140162, MedGen C0027672, MeSH D009386, MONDO:0015356.
Familial adenomatous polyposis 1 (FAP1). Also called: POLYPOSIS, ADENOMATOUS INTESTINAL; FAMILIAL ADENOMATOUS POLYPOSIS 1, ATTENUATED. Identifiers: MedGen C2713442, MONDO:0021056, OMIM 175100. Disease mechanism: loss of function.

Allele frequency attached by ClinVar (database versions not stated): TOPMed below 0.00001; gnomAD 0.00001.
gnomAD v4.1: 1 of 1,612,086 alleles (0.000062%); highest among the groups gnomAD compares: Non-Finnish European, 0.000085%; no homozygotes.

Submissions (2):

Color Diagnostics, LLC DBA Color Health
Classification: Uncertain significance for Hereditary cancer-predisposing syndrome. Last evaluated: 2024-03-06. Review status: criteria provided, single submitter. Criteria: ACMG Guidelines, 2015. Collection method: clinical testing. Allele origin: germline.
Comment: This missense variant replaces serine with phenylalanine at codon 63 of the APC protein. Computational prediction suggests that this variant may not impact protein structure and function (internally defined REVEL score threshold <= 0.5, PMID: 27666373). To our knowledge, functional studies have not been reported for this variant. This variant has not been reported in individuals affected with hereditary cancer in the literature. This variant has not been identified in the general population by the Genome Aggregation Database (gnomAD). The available evidence is insufficient to determine the role of this variant in disease conclusively. Therefore, this variant is classified as a Variant of Uncertain Significance.

Labcorp Genetics (formerly Invitae), Labcorp
Classification: Uncertain significance for Familial adenomatous polyposis 1. Last evaluated: 2023-11-17. Review status: criteria provided, single submitter. Criteria: Invitae Variant Classification Sherloc (09022015). Collection method: clinical testing. Allele origin: germline.
Comment: This sequence change replaces serine, which is neutral and polar, with phenylalanine, which is neutral and non-polar, at codon 63 of the APC protein (p.Ser63Phe). This variant is not present in population databases (gnomAD no frequency). This variant has not been reported in the literature in individuals affected with APC-related conditions. Advanced modeling of protein sequence and biophysical properties (such as structural, functional, and spatial information, amino acid conservation, physicochemical variation, residue mobility, and thermodynamic stability) performed at Invitae indicates that this missense variant is not expected to disrupt APC protein function with a negative predictive value of 95%. In summary, the available evidence is currently insufficient to determine the role of this variant in disease. Therefore, it has been classified as a Variant of Uncertain Significance.